The following is an entry in ClinVar:

ClinVar aggregate classification (germline): Uncertain significance (1 of 4 stars; one submission).

Submission:

Labcorp Genetics (formerly Invitae), Labcorp
Classification: Uncertain significance. Last evaluated: 2024-04-30. Review status: criteria provided, single submitter. Criteria: Invitae Variant Classification Sherloc (09022015). Collection method: clinical testing. Allele origin: germline.
Comment: This sequence change creates a premature translational stop signal (p.Gly1861Trpfs*25) in the TET2 gene. While this is not anticipated to result in nonsense mediated decay, it is expected to disrupt the last 142 amino acid(s) of the TET2 protein. This variant is not present in population databases (gnomAD no frequency). This variant has not been reported in the literature in individuals affected with TET2-related conditions. Experimental studies and prediction algorithms are not available or were not evaluated, and the functional significance of this variant is currently unknown. In summary, the available evidence is currently insufficient to determine the role of this variant in disease. Therefore, it has been classified as a Variant of Uncertain Significance.

NM_001127208.3(TET2):c.5581_5584del (p.Gly1861fs)

Genes: TET2 (tet methylcytosine dioxygenase 2; plus strand), TET2-AS1 (TET2 antisense RNA 1; minus strand). Cytogenetic location: 4q24.
Variant type: Deletion.
Coding change: c.5581_5584del on transcript NM_001127208.3 (MANE Select); coding-DNA positions 5581 to 5584, 4 bases deleted (GGAG; older notation c.5581_5584delGGAG).
Protein change: p.Gly1861fs; shifts the reading frame from glycine 1861.
Molecular consequence: frameshift variant.
Genome position (GRCh38, 1-based): chr4:105,276,091-105,276,094, GGAG deleted; deleting any 4 consecutive bases within chr4:105,276,090-105,276,094 gives the same sequence; the c. name uses the placement nearest the transcript's 3' end. VCF-style (leftmost placement, unchanged base first): chr4-105276089-GGGGA-G. GRCh37 (hg19) VCF-style: chr4-106197246-GGGGA-G.
Other names: short protein forms G1861fs.
Identifiers: ClinVar variation 3651669 (VCV003651669.2).